The following is an entry in ClinVar:

NM_152443.3(RDH12):c.496del (p.Ala166fs)

Genes: RDH12 (retinol dehydrogenase 12; plus strand), GPHN (gephyrin; plus strand). Cytogenetic location: 14q24.1.
Variant type: Deletion.
Coding change: c.496del on transcript NM_152443.3 (MANE Select); coding-DNA position 496, one base deleted (G; older notation c.496delG).
Protein change: p.Ala166fs; shifts the reading frame from alanine 166.
Molecular consequence: frameshift variant.
Genome position (GRCh38, 1-based): chr14:67,727,028, G deleted. VCF-style (leftmost placement, unchanged base first): chr14-67727027-TG-T. GRCh37 (hg19) VCF-style: chr14-68193744-TG-T.
Other names: c.496delG (NM_152443.2); short protein forms A166fs.
Identifiers: ClinVar variation 1072336 (VCV001072336.10), dbSNP rs2140145266, ClinGen allele CA2499222671.

ClinVar aggregate classification (germline): Pathogenic/Likely pathogenic. Review status: criteria provided, multiple submitters, no conflicts (2 of 4 stars). 2 submissions from 2 submitters: Pathogenic (1); Likely pathogenic (1). Last evaluated 2024-05-06.

Conditions:
Leber congenital amaurosis (LCA). Also called: Leber's amaurosis. Identifiers: Orphanet 65, MedGen C0339527, MeSH D057130, MONDO:0018998.
Leber congenital amaurosis 13 (LCA13). Identifiers: MedGen C2675186, MONDO:0012990, OMIM 612712.

Submissions (2):

Natera, Inc.
Classification: Likely pathogenic for Leber congenital amaurosis. Last evaluated: 2024-05-06. Review status: criteria provided, single submitter. Criteria: Natera Variant Classification Schema (03/2026). Collection method: clinical testing. Allele origin: germline.
Comment: The c.496delG variant in RDH12 is a frameshift variant predicted to shift the reading frame beginning at codon 166 and leads to a stop codon 112 codons downstream. This variant is expected to result in nonsense mediated decay, truncation, or a dysfunctional protein product. This variant is rare in the general population with a frequency below the threshold expected for the associated phenotype(s). Given the available evidence, this variant is classified as Likely Pathogenic.

Labcorp Genetics (formerly Invitae), Labcorp
Classification: Pathogenic for Leber congenital amaurosis 13. Last evaluated: 2022-10-25. Review status: criteria provided, single submitter. Criteria: Invitae Variant Classification Sherloc (09022015). Collection method: clinical testing. Allele origin: germline.
Comment: This variant disrupts a region of the RDH12 protein in which other variant(s) (p.Arg295*) have been determined to be pathogenic (PMID: 16269441, 22065924, 26047050, 28559085). This suggests that this is a clinically significant region of the protein, and that variants that disrupt it are likely to be disease-causing. ClinVar contains an entry for this variant (Variation ID: 1072336). This variant has not been reported in the literature in individuals affected with RDH12-related conditions. For these reasons, this variant has been classified as Pathogenic. This variant is not present in population databases (gnomAD no frequency). This sequence change creates a premature translational stop signal (p.Ala166Profs*112) in the RDH12 gene. While this is not anticipated to result in nonsense mediated decay, it is expected to disrupt the last 151 amino acid(s) of the RDH12 protein.

Literature cited by the submitters: PubMed 16269441 (cited by Labcorp Genetics (formerly Invitae), Labcorp); PubMed 22065924 (cited by Labcorp Genetics (formerly Invitae), Labcorp); PubMed 26047050 (cited by Labcorp Genetics (formerly Invitae), Labcorp); PubMed 28559085 (cited by Labcorp Genetics (formerly Invitae), Labcorp).